The following is an entry in ClinVar:

NM_000019.4(ACAT1):c.1190A>G (p.His397Arg)

Gene: ACAT1 (acetyl-CoA acetyltransferase 1; plus strand). Cytogenetic location: 11q22.3.
Variant type: single nucleotide variant.
Coding change: c.1190A>G on transcript NM_000019.4 (MANE Select); coding-DNA position 1190, A replaced by G.
Protein change: p.His397Arg; replaces histidine 397 with arginine.
Molecular consequence: missense variant. On other transcripts: non-coding transcript variant (2).
Genome position (GRCh38, 1-based): chr11:108,147,296, A>G. VCF-style: chr11-108147296-A-G. GRCh37 (hg19) VCF-style: chr11-108018023-A-G.
Other names: c.1211A>G, p.His404Arg (NM_001386677.1); c.875A>G, p.His292Arg (NM_001386678.1); c.893A>G, p.His298Arg (NM_001386679.1); c.920A>G, p.His307Arg (NM_001386681.1, NM_001386682.1, NM_001386685.1 and 6 more transcripts); short protein forms H292R, H298R, H307R, H397R, H404R.
Identifiers: ClinVar variation 1067034 (VCV001067034.9), dbSNP rs2134797745, ClinGen allele CA382508745.
Genomic context (GRCh38, chr11:108,147,296, plus strand): 5'-TTCATTAAAGAAGTAAATGCTTTCTTAATTTTAGGATGTCTGGAGCCAGGATTGTTGGTC[A>G]TTTGACTCATGCCTTGAAGCAAGGAGAATACGGTCTTGCCAGTATTTGCAATGGAGGAGG-3'
Protein context (NP_000010.1, residues 387-407): IGMSGARIVG[His397Arg]LTHALKQGEY

ClinVar aggregate classification (germline): Likely pathogenic (1 of 4 stars; one submission).

Conditions:
Deficiency of acetyl-CoA acetyltransferase. Also called: MITOCHONDRIAL ACETOACETYL-CoA THIOLASE DEFICIENCY; Beta-ketothiolase deficiency; 3-KETOTHIOLASE DEFICIENCY; 3-OXOTHIOLASE DEFICIENCY. Identifiers: Orphanet 134, MedGen C1536500, MONDO:0008760, OMIM 203750. Disease mechanism: loss of function.

Submission:

Labcorp Genetics (formerly Invitae), Labcorp
Classification: Likely pathogenic for Deficiency of acetyl-CoA acetyltransferase. Last evaluated: 2020-08-04. Review status: criteria provided, single submitter. Criteria: Invitae Variant Classification Sherloc (09022015). Collection method: clinical testing. Allele origin: germline.
Comment: This variant is not present in population databases (ExAC no frequency). In summary, the currently available evidence indicates that the variant is pathogenic, but additional data are needed to prove that conclusively. Therefore, this variant has been classified as Likely Pathogenic. This variant disrupts the p.His397 amino acid residue in ACAT1. Other variant(s) that disrupt this residue have been determined to be pathogenic (PMID: 15128923, 20157782). This suggests that this residue is clinically significant, and that variants that disrupt this residue are likely to be disease-causing. Advanced modeling of protein sequence and biophysical properties (such as structural, functional, and spatial information, amino acid conservation, physicochemical variation, residue mobility, and thermodynamic stability) performed at Invitae indicates that this missense variant is expected to disrupt ACAT1 protein function. This variant has not been reported in the literature in individuals with ACAT1-related conditions. This sequence change replaces histidine with arginine at codon 397 of the ACAT1 protein (p.His397Arg). The histidine residue is highly conserved and there is a small physicochemical difference between histidine and arginine.

Literature cited by the submitters: PubMed 15128923; PubMed 20157782.